The following is an entry in ClinVar:

NM_006231.4(POLE):c.5342G>C (p.Ser1781Thr)

Gene: POLE (DNA polymerase epsilon, catalytic subunit; minus strand). Cytogenetic location: 12q24.33.
Variant type: single nucleotide variant.
Coding change: c.5342G>C on transcript NM_006231.4 (MANE Select); coding-DNA position 5342, G replaced by C.
Protein change: p.Ser1781Thr; replaces serine 1781 with threonine.
Molecular consequence: missense variant.
Genome position (GRCh38, 1-based): chr12:132,641,683, C>G on the plus strand (G>C on the coding strand, the complement: POLE is on the minus strand). VCF-style: chr12-132641683-C-G. GRCh37 (hg19) VCF-style: chr12-133218269-C-G.
Other names: short protein forms S1781T.
Identifiers: ClinVar variation 665238 (VCV000665238.13), dbSNP rs1593727430, ClinGen allele CA387375828.

ClinVar aggregate classification (germline): Uncertain significance. Review status: criteria provided, multiple submitters, no conflicts (2 of 4 stars). 2 submissions from 2 submitters: Uncertain significance (2). Last evaluated 2024-04-03.

Conditions:
Hereditary cancer-predisposing syndrome. Also called: Tumor predisposition; Hereditary neoplastic syndrome; Neoplastic Syndromes, Hereditary; Hereditary Cancer Syndrome. Identifiers: Orphanet 140162, MedGen C0027672, MeSH D009386, MONDO:0015356.

gnomAD v4.1: 1 of 1,614,020 alleles (0.000062%); highest among the groups gnomAD compares: Admixed American, 0.0017%; no homozygotes.

Submissions (2):

Labcorp Genetics (formerly Invitae), Labcorp
Classification: Uncertain significance. Last evaluated: 2024-04-03. Review status: criteria provided, single submitter. Criteria: Invitae Variant Classification Sherloc (09022015). Collection method: clinical testing. Allele origin: germline.
Comment: This sequence change replaces serine, which is neutral and polar, with threonine, which is neutral and polar, at codon 1781 of the POLE protein (p.Ser1781Thr). This variant is not present in population databases (gnomAD no frequency). This variant has not been reported in the literature in individuals affected with POLE-related conditions. ClinVar contains an entry for this variant (Variation ID: 665238). Advanced modeling of protein sequence and biophysical properties (such as structural, functional, and spatial information, amino acid conservation, physicochemical variation, residue mobility, and thermodynamic stability) performed at Invitae indicates that this missense variant is not expected to disrupt POLE protein function with a negative predictive value of 80%. In summary, the available evidence is currently insufficient to determine the role of this variant in disease. Therefore, it has been classified as a Variant of Uncertain Significance.

Ambry Genetics
Classification: Uncertain significance for Hereditary cancer-predisposing syndrome. Last evaluated: 2022-08-16. Review status: criteria provided, single submitter. Criteria: Ambry Variant Classification Scheme 2023. Collection method: clinical testing. Allele origin: germline.
Comment: The p.S1781T variant (also known as c.5342G>C), located in coding exon 39 of the POLE gene, results from a G to C substitution at nucleotide position 5342. The serine at codon 1781 is replaced by threonine, an amino acid with similar properties. This amino acid position is conserved. In addition, this alteration is predicted to be tolerated by in silico analysis. Since supporting evidence is limited at this time, the clinical significance of this alteration remains unclear.